The following is an entry in ClinVar:

NM_000834.5(GRIN2B):c.3597G>C (p.Lys1199Asn)

Gene: GRIN2B (glutamate ionotropic receptor NMDA type subunit 2B; minus strand). Cytogenetic location: 12p13.1.
Variant type: single nucleotide variant.
Coding change: c.3597G>C on transcript NM_000834.5 (MANE Select); coding-DNA position 3597, G replaced by C.
Protein change: p.Lys1199Asn; replaces lysine 1199 with asparagine.
Molecular consequence: missense variant.
Genome position (GRCh38, 1-based): chr12:13,563,641, C>G on the plus strand (G>C on the coding strand, the complement: GRIN2B is on the minus strand). VCF-style: chr12-13563641-C-G. GRCh37 (hg19) VCF-style: chr12-13716575-C-G.
Other names: c.3597G>C, p.Lys1199Asn (NM_001413992.1); short protein forms K1199N.
Identifiers: ClinVar variation 2940514 (VCV002940514.3), dbSNP rs1948585026, ClinGen allele CA383988191.
Genomic context (GRCh38, chr12:13,563,641, plus strand): 5'-GGGACAGCTGCGGCAGAAGTTGCCCCCGGACCGGTCCTCCCACTCCACGTTGGTCAGGTT[C>G]TTCTCCCAAGGTGCAGGTACCCCGCTGACCACGCCGTGTTTGTCGCCCGTCCCGTGCTTG-3'
Protein context (NP_000825.2, residues 1189-1209): VVSGVPAPWE[Lys1199Asn]NLTNVEWEDR

ClinVar aggregate classification (germline): Uncertain significance (1 of 4 stars; one submission).

Conditions:
Intellectual developmental disorder, autosomal dominant 6, with or without seizures. Also called: GRIN2B-related developmental delay, intellectual disability and autism spectrum disorder; Intellectual disability, autosomal dominant 6. Identifiers: Orphanet 589547, MedGen C3151411, MONDO:0013509, OMIM 613970.
Developmental and epileptic encephalopathy, 27 (DEE27). Also called: Epileptic encephalopathy, early infantile, 27; GRIN2B-Related Neurodevelopmental Disorder. Identifiers: Orphanet 3451, MedGen C4015316, MONDO:0014505, OMIM 616139.

Allele frequency attached by ClinVar (database versions not stated): TOPMed below 0.00001.

Submission:

Labcorp Genetics (formerly Invitae), Labcorp
Classification: Uncertain significance for Developmental and epileptic encephalopathy, 27; Intellectual developmental disorder, autosomal dominant 6, with or without seizures. Last evaluated: 2023-11-03. Review status: criteria provided, single submitter. Criteria: Invitae Variant Classification Sherloc (09022015). Collection method: clinical testing. Allele origin: germline.
Comment: This sequence change replaces lysine, which is basic and polar, with asparagine, which is neutral and polar, at codon 1199 of the GRIN2B protein (p.Lys1199Asn). This variant is not present in population databases (gnomAD no frequency). This variant has not been reported in the literature in individuals affected with GRIN2B-related conditions. Advanced modeling of protein sequence and biophysical properties (such as structural, functional, and spatial information, amino acid conservation, physicochemical variation, residue mobility, and thermodynamic stability) performed at Invitae indicates that this missense variant is not expected to disrupt GRIN2B protein function with a negative predictive value of 95%. In summary, the available evidence is currently insufficient to determine the role of this variant in disease. Therefore, it has been classified as a Variant of Uncertain Significance.